The following is an entry in ClinVar:

NM_032383.5(HPS3):c.1627G>T (p.Glu543Ter)

Gene: HPS3 (HPS3 biogenesis of lysosomal organelles complex 2 subunit 1; plus strand). Cytogenetic location: 3q24.
Variant type: single nucleotide variant.
Coding change: c.1627G>T on transcript NM_032383.5 (MANE Select); coding-DNA position 1627, G replaced by T.
Protein change: p.Glu543Ter; replaces glutamic acid 543 with a stop codon.
Molecular consequence: nonsense.
Genome position (GRCh38, 1-based): chr3:149,157,467, G>T. VCF-style: chr3-149157467-G-T. GRCh37 (hg19) VCF-style: chr3-148875254-G-T.
Other names: c.1132G>T, p.Glu378Ter (NM_001308258.2); short protein forms E378*, E543*.
Identifiers: ClinVar variation 1725146 (VCV001725146.2), dbSNP rs761144920, ClinGen allele CA354921864.

ClinVar aggregate classification (germline): Likely pathogenic (1 of 4 stars; one submission).

Conditions:
Hermansky-Pudlak syndrome 3 (HPS3). Identifiers: Orphanet 231512, Orphanet 79430, MedGen C3888001, MONDO:0013555, OMIM 614072.

Submission:

Myriad Genetics, Inc.
Classification: Likely pathogenic for Hermansky-Pudlak syndrome 3. Last evaluated: 2022-03-09. Review status: criteria provided, single submitter. Criteria: Myriad Women's Health Autosomal Recessive and X-Linked Classification Criteria (2021). Collection method: clinical testing. Allele origin: unknown.
Comment: NM_032383.3(HPS3):c.1627G>T(E543*) is expected to be pathogenic in the context of Hermansky-Pudlak syndrome type 3. This variant is predicted to lead to an abnormal or absent protein product due to the creation of a premature termination codon in HPS3, a gene where loss-of-function variants are known to be pathogenic. Please note: this variant was assessed in the context of healthy population screening.